The following is an entry in ClinVar:

NM_001135022.2(ELMOD3):c.678G>A (p.Met226Ile)

Gene: ELMOD3 (ELMO domain containing 3; plus strand). Cytogenetic location: 2p11.2.
Variant type: single nucleotide variant.
Coding change: c.678G>A on transcript NM_001135022.2 (MANE Select); coding-DNA position 678, G replaced by A.
Protein change: p.Met226Ile; replaces methionine 226 with isoleucine.
Molecular consequence: missense variant. On other transcripts: non-coding transcript variant (3).
Genome position (GRCh38, 1-based): chr2:85,377,414, G>A. VCF-style: chr2-85377414-G-A. GRCh37 (hg19) VCF-style: chr2-85604537-G-A.
Other names: c.678G>A, p.Met226Ile (NM_001135021.2, NM_001135023.2, NM_001329791.2 and 3 more transcripts); short protein forms M226I.
Identifiers: ClinVar variation 4989529 (VCV004989529.1).
Genomic context (GRCh38, chr2:85,377,414, plus strand): 5'-AGCCACAGACCTGAGAGGCGCAGGCTTCCTTGCCCTCCTGCATCTGCTCTACCTGGTGAT[G>A]GACTCAAAGACCTTGCCGATGGCGCAGGAGATTTTCCGCCTGTCTCGTCACCACATCCAG-3'
Protein context (NP_001128494.1, residues 216-236): LALLHLLYLV[Met226Ile]DSKTLPMAQE

ClinVar aggregate classification (germline): Likely benign (1 of 4 stars; one submission).

Conditions:
ELMOD3-related disorder. Also called: ELMOD3-related condition.

gnomAD v4.1: 56 of 1,611,648 alleles (0.0035%); highest among the groups gnomAD compares: East Asian, 0.12%; no homozygotes.

Submission:

PreventionGenetics, part of Exact Sciences
Classification: Likely benign for ELMOD3-related condition. Last evaluated: 2025-05-03. Review status: criteria provided, single submitter. Criteria: ACMG Guidelines, 2015. Collection method: clinical testing. Allele origin: germline.
Comment: This variant is classified as likely benign based on ACMG/AMP sequence variant interpretation guidelines (Richards et al. 2015 PMID: 25741868, with internal and published modifications).